The following is an entry in ClinVar:

NM_001267550.2(TTN):c.59657T>G (p.Val19886Gly)

Genes: TTN (titin; minus strand), TTN-AS1 (TTN antisense RNA 1; plus strand), LOC126806424 (CDK7 strongly-dependent group 2 enhancer GRCh37_chr2:179456337-179457536; plus strand). Cytogenetic location: 2q31.2.
Variant type: single nucleotide variant.
Coding change: c.59657T>G on transcript NM_001267550.2 (MANE Select); coding-DNA position 59657, T replaced by G.
Protein change: p.Val19886Gly; replaces valine 19886 with glycine.
Molecular consequence: missense variant.
Genome position (GRCh38, 1-based): chr2:178,592,247, A>C on the plus strand (T>G on the coding strand, the complement: TTN is on the minus strand). VCF-style: chr2-178592247-A-C. GRCh37 (hg19) VCF-style: chr2-179456974-A-C.
Other names: p.V18245G:GTC>GGC; c.54734T>G, p.Val18245Gly (NM_001256850.1); c.32462T>G, p.Val10821Gly (NM_003319.4); c.51953T>G, p.Val17318Gly (NM_133378.4); c.32837T>G, p.Val10946Gly (NM_133432.3); c.33038T>G, p.Val11013Gly (NM_133437.4); short protein forms V18245G, V19886G, V17318G, V10821G, V10946G, V11013G.
Identifiers: ClinVar variation 202743 (VCV000202743.16), dbSNP rs755949982, ClinGen allele CA310149.

ClinVar aggregate classification (germline): Conflicting classifications of pathogenicity. Review status: criteria provided, conflicting classifications (1 of 4 stars). 7 submissions from 7 submitters: Uncertain significance (5); Likely benign (2). Last evaluated 2026-06-23.

Conditions:
TTN-related disorder. Also called: TTN-related condition; TTN-related disease; TTN-related disorders.
Dilated cardiomyopathy 1G (CMD1G). Identifiers: Orphanet 154, MedGen C1858763, MONDO:0011400, OMIM 604145.
Autosomal recessive limb-girdle muscular dystrophy type 2J (LGMDR10). Also called: Limb-girdle muscular dystrophy, type 2J; MUSCULAR DYSTROPHY, LIMB-GIRDLE, AUTOSOMAL RECESSIVE 10. Identifiers: Orphanet 140922, MedGen C1837342, MONDO:0012127, OMIM 608807.

Allele frequency attached by ClinVar (database versions not stated): gnomAD 0.00005; TOPMed 0.00005; ExAC 0.00006.
gnomAD v4.1: 133 of 1,611,744 alleles (0.0083%); highest among the groups gnomAD compares: Non-Finnish European, 0.011%; no homozygotes.

Submissions (7):

PreventionGenetics, part of Exact Sciences
Classification: Uncertain significance for TTN-related condition. Last evaluated: 2026-06-23. Review status: criteria provided, single submitter. Criteria: ACMG Guidelines, 2015. Collection method: clinical testing. Allele origin: germline.
Comment: The TTN c.59657T>G variant is predicted to result in the amino acid substitution p.Val19886Gly. This variant, also referred to as p.Val17318Gly in an alternate transcript NM_133378, has been reported in individuals with hypertrophic cardiomyopathy (Table S1, Campuzano et al. 2015. PubMed ID: 26516846; Martínez-Barrios et al. 2022. PubMed ID: 35207729). This variant is reported in 0.012% of alleles in individuals of European (Non-Finnish) descent in gnomAD. At this time, the clinical significance of this variant is uncertain due to the absence of conclusive functional and genetic evidence.

Blueprint Genetics
Classification: Likely benign. Last evaluated: 2024-02-26. Review status: criteria provided, single submitter. Criteria: ACMG Guidelines, 2015. Collection method: clinical testing. Allele origin: germline.

Women's Health and Genetics/Laboratory Corporation of America, LabCorp
Classification: Uncertain significance. Last evaluated: 2023-03-21. Review status: criteria provided, single submitter. Criteria: LabCorp Variant Classification Summary - May 2015. Collection method: clinical testing. Allele origin: germline.
Comment: Variant summary: TTN c.51953T>G (p.Val17318Gly) results in a non-conservative amino acid change located in the A-band region of the encoded protein sequence. Three of four in-silico tools predict a damaging effect of the variant on protein function. The variant allele was found at a frequency of 5.3e-05 in 243972 control chromosomes (gnomAD). This frequency is not higher than estimated for a pathogenic variant in TTN causing Dilated Cardiomyopathy (5.3e-05 vs 0.00039), allowing no conclusion about variant significance. c.51953T>G has been reported in the literature in individual(s) affected with Hypertrophic Cardiomyopathy (Campuzano_2015, Martinez-Barrios_2022). These report(s) do not provide unequivocal conclusions about association of the variant with Cardiomyopathy. To our knowledge, no experimental evidence demonstrating an impact on protein function has been reported. One ClinVar submitter (evaluation after 2014) cites the variant as likely benign and three ClinVar submitters (evaluation after 2014) cite it as uncertain significance. Based on the evidence outlined above, the variant was classified as uncertain significance.

Revvity Omics, Revvity
Classification: Uncertain significance. Last evaluated: 2022-01-26. Review status: criteria provided, single submitter. Criteria: ACMG Guidelines, 2015. Collection method: clinical testing. Allele origin: germline.

GeneDx
Classification: Likely benign. Last evaluated: 2020-01-23. Review status: criteria provided, single submitter. Criteria: GeneDx Variant Classification Process June 2021. Collection method: clinical testing. Allele origin: germline. Affected: yes.

Labcorp Genetics (formerly Invitae), Labcorp
Classification: Uncertain significance for Dilated cardiomyopathy 1G; Autosomal recessive limb-girdle muscular dystrophy type 2J. Last evaluated: 2017-12-01. Review status: criteria provided, single submitter. Criteria: Invitae Variant Classification Sherloc (09022015). Collection method: clinical testing. Allele origin: germline.

Eurofins Ntd Llc (ga)
Classification: Uncertain significance. Last evaluated: 2017-11-13. Review status: criteria provided, single submitter. Criteria: EGL Classification Definitions 2015. Collection method: clinical testing. Allele origin: germline. Observed: 2 variant alleles, 1 heterozygote.

Literature cited by the submitters: PubMed 26516846 (cited by Women's Health and Genetics/Laboratory Corporation of America, LabCorp); PubMed 35207729 (cited by Women's Health and Genetics/Laboratory Corporation of America, LabCorp).